The following is an entry in ClinVar:

ClinVar aggregate classification (germline): Conflicting classifications of pathogenicity. Review status: criteria provided, conflicting classifications (1 of 4 stars). 3 submissions from 3 submitters: Uncertain significance (2); Likely benign (1). Last evaluated 2025-09-05.

Conditions:
Inborn genetic diseases. Identifiers: MedGen C0950123, MeSH D030342.
TG-related disorder. Also called: TG-related disorders; TG-related condition.
Iodotyrosyl coupling defect (TDH3). Also called: HYPOTHYROIDISM, CONGENITAL, DUE TO DYSHORMONOGENESIS, 3; THYROID HORMONOGENESIS, GENETIC DEFECT IN, 3. Identifiers: Orphanet 95716, MedGen C0342194, MONDO:0010135, OMIM 274700.

Allele frequency attached by ClinVar (database versions not stated): gnomAD 0.00004 and 0.00005; ExAC 0.00005; gnomAD exomes 0.00006; TOPMed 0.00006; 1000 Genomes Project 30x 0.00016; 1000 Genomes Project 0.00020.
gnomAD v4.1: 20 of 1,613,524 alleles (0.0012%); highest among the groups gnomAD compares: East Asian, 0.029%; no homozygotes.

Submissions (3):

Ambry Genetics
Classification: Likely benign for Inborn genetic diseases. Last evaluated: 2025-09-05. Review status: criteria provided, single submitter. Criteria: Ambry Variant Classification Scheme 2023. Collection method: clinical testing. Allele origin: germline.

PreventionGenetics, part of Exact Sciences
Classification: Uncertain significance for TG-related condition. Last evaluated: 2025-05-07. Review status: criteria provided, single submitter. Criteria: ACMG Guidelines, 2015. Collection method: clinical testing. Allele origin: germline.
Comment: The TG c.4151A>G variant is predicted to result in the amino acid substitution p.His1384Arg. To our knowledge, this variant has not been reported in the literature. This variant is reported in 0.080% of alleles in individuals of East Asian descent in gnomAD. Although we suspect that this variant may be benign, at this time, the clinical significance of this variant is uncertain due to the absence of conclusive functional and genetic evidence.

Illumina Laboratory Services, Illumina
Classification: Uncertain significance for Iodotyrosyl coupling defect. Last evaluated: 2018-01-13. Review status: criteria provided, single submitter. Criteria: ICSL Variant Classification Criteria 13 December 2019. Collection method: clinical testing. Allele origin: germline.

NM_003235.5(TG):c.4151A>G (p.His1384Arg)

Gene: TG (thyroglobulin; plus strand). Cytogenetic location: 8q24.22.
Variant type: single nucleotide variant.
Coding change: c.4151A>G on transcript NM_003235.5 (MANE Select); coding-DNA position 4151, A replaced by G.
Protein change: p.His1384Arg; replaces histidine 1384 with arginine.
Molecular consequence: missense variant.
Genome position (GRCh38, 1-based): chr8:132,911,525, A>G. VCF-style: chr8-132911525-A-G. GRCh37 (hg19) VCF-style: chr8-133923770-A-G.
Other names: short protein forms H1384R.
Identifiers: ClinVar variation 908150 (VCV000908150.6), dbSNP rs548761622, ClinGen allele CA4884024.